The following is an entry in ClinVar:

ClinVar aggregate classification (germline): Uncertain significance (1 of 4 stars; one submission).

Submission:

Labcorp Genetics (formerly Invitae), Labcorp
Classification: Uncertain significance. Last evaluated: 2023-12-11. Review status: criteria provided, single submitter. Criteria: Invitae Variant Classification Sherloc (09022015). Collection method: clinical testing. Allele origin: germline.
Comment: This sequence change replaces arginine, which is basic and polar, with serine, which is neutral and polar, at codon 1339 of the SAMD9L protein (p.Arg1339Ser). This variant is not present in population databases (gnomAD no frequency). This variant has not been reported in the literature in individuals affected with SAMD9L-related conditions. ClinVar contains an entry for this variant (Variation ID: 1977894). Advanced modeling of protein sequence and biophysical properties (such as structural, functional, and spatial information, amino acid conservation, physicochemical variation, residue mobility, and thermodynamic stability) performed at Invitae indicates that this missense variant is not expected to disrupt SAMD9L protein function with a negative predictive value of 80%. In summary, the available evidence is currently insufficient to determine the role of this variant in disease. Therefore, it has been classified as a Variant of Uncertain Significance.

NM_152703.5(SAMD9L):c.4017G>T (p.Arg1339Ser)

Gene: SAMD9L (sterile alpha motif domain containing 9 like; minus strand). Cytogenetic location: 7q21.2.
Variant type: single nucleotide variant.
Coding change: c.4017G>T on transcript NM_152703.5 (MANE Select); coding-DNA position 4017, G replaced by T.
Protein change: p.Arg1339Ser; replaces arginine 1339 with serine.
Molecular consequence: missense variant.
Genome position (GRCh38, 1-based): chr7:93,131,955, C>A on the plus strand (G>T on the coding strand, the complement: SAMD9L is on the minus strand). VCF-style: chr7-93131955-C-A. GRCh37 (hg19) VCF-style: chr7-92761268-C-A.
Other names: c.4017G>T, p.Arg1339Ser (NM_001303496.3, NM_001303497.3, NM_001303498.3 and 5 more transcripts); short protein forms R1339S.
Identifiers: ClinVar variation 1977894 (VCV001977894.5), dbSNP rs2116473930, ClinGen allele CA368178090.